The following is an entry in ClinVar:

NM_152618.3(BBS12):c.572_576del (p.Gly191fs)

Gene: BBS12 (Bardet-Biedl syndrome 12; plus strand). Cytogenetic location: 4q27.
Variant type: Deletion.
Coding change: c.572_576del on transcript NM_152618.3 (MANE Select); coding-DNA positions 572 to 576, 5 bases deleted (GGAGA; older notation c.572_576delGGAGA).
Protein change: p.Gly191fs; shifts the reading frame from glycine 191.
Molecular consequence: frameshift variant.
Genome position (GRCh38, 1-based): chr4:122,742,464-122,742,468, GGAGA deleted. VCF-style (leftmost placement, unchanged base first): chr4-122742463-GGGAGA-G. GRCh37 (hg19) VCF-style: chr4-123663618-GGGAGA-G.
Other names: c.572_576del, p.Gly191fs (NM_001178007.2); short protein forms G191fs.
Identifiers: ClinVar variation 2092347 (VCV002092347.4), dbSNP rs2485073088, ClinGen allele CA2580071460.

ClinVar aggregate classification (germline): Pathogenic (1 of 4 stars; one submission).

Conditions:
Bardet-Biedl syndrome (BBS). Identifiers: Orphanet 110, MedGen C0752166, MONDO:0015229.

Submission:

Labcorp Genetics (formerly Invitae), Labcorp
Classification: Pathogenic for Bardet-Biedl syndrome. Last evaluated: 2025-04-14. Review status: criteria provided, single submitter. Criteria: Invitae Variant Classification Sherloc (09022015). Collection method: clinical testing. Allele origin: germline.
Comment: This sequence change creates a premature translational stop signal (p.Gly191Alafs*3) in the BBS12 gene. While this is not anticipated to result in nonsense mediated decay, it is expected to disrupt the last 520 amino acid(s) of the BBS12 protein. This variant is not present in population databases (gnomAD no frequency). This variant has not been reported in the literature in individuals affected with BBS12-related conditions. ClinVar contains an entry for this variant (Variation ID: 2092347). This variant disrupts a region of the BBS12 protein in which other variant(s) (p.Ser701*) have been determined to be pathogenic (PMID: 20648243). This suggests that this is a clinically significant region of the protein, and that variants that disrupt it are likely to be disease-causing. For these reasons, this variant has been classified as Pathogenic.

Literature cited by the submitters: PubMed 20648243.